The following is an entry in ClinVar:

ClinVar aggregate classification (germline): Conflicting classifications of pathogenicity. Review status: criteria provided, conflicting classifications (1 of 4 stars). 6 submissions from 6 submitters: Uncertain significance (4); Likely benign (2). Last evaluated 2025-11-19.

Conditions:
Chuvash polycythemia. Also called: POLYCYTHEMIA, VHL-DEPENDENT. Identifiers: Orphanet 238557, MedGen C1837915, MONDO:0009892, OMIM 263400.
Von Hippel-Lindau syndrome (VHLS). Also called: VHL syndrome; Von Hippel-Lindau; von Hippel–Lindau syndrome. Identifiers: Orphanet 892, MedGen C0019562, MONDO:0008667, OMIM 193300. Disease mechanism: loss of function.
Hereditary cancer-predisposing syndrome. Also called: Tumor predisposition; Neoplastic Syndromes, Hereditary; Hereditary Cancer Syndrome; Hereditary neoplastic syndrome. Identifiers: Orphanet 140162, MedGen C0027672, MeSH D009386, MONDO:0015356.

gnomAD v4.1: 4 of 1,614,046 alleles (0.00025%); highest among the groups gnomAD compares: East Asian, 0.0089%; no homozygotes.

Submissions (6):

Labcorp Genetics (formerly Invitae), Labcorp
Classification: Uncertain significance for Von Hippel-Lindau syndrome; Chuvash polycythemia. Last evaluated: 2025-11-19. Review status: criteria provided, single submitter. Criteria: Invitae Variant Classification Sherloc (09022015). Collection method: clinical testing. Allele origin: germline.
Comment: This sequence change replaces leucine, which is neutral and non-polar, with valine, which is neutral and non-polar, at codon 129 of the VHL protein (p.Leu129Val). This variant is present in population databases (rs369018004, gnomAD 0.01%). This variant has not been reported in the literature in individuals affected with VHL-related conditions. ClinVar contains an entry for this variant (Variation ID: 486710). Invitae Evidence Modeling of protein sequence and biophysical properties (such as structural, functional, and spatial information, amino acid conservation, physicochemical variation, residue mobility, and thermodynamic stability) indicates that this missense variant is expected to disrupt VHL protein function with a positive predictive value of 95%. In summary, the available evidence is currently insufficient to determine the role of this variant in disease. Therefore, it has been classified as a Variant of Uncertain Significance.

Myriad Genetics, Inc.
Classification: Likely benign for Von Hippel-Lindau syndrome. Last evaluated: 2024-08-16. Review status: criteria provided, single submitter. Criteria: Myriad Autosomal Dominant, Autosomal Recessive and X-Linked Classification Criteria (2023). Collection method: clinical testing. Allele origin: unknown.
Comment: This variant is considered likely benign. This variant has been observed at a population frequency that is significantly greater than expected given the associated disease prevalence and penetrance.

All of Us Research Program, National Institutes of Health
Classification: Uncertain significance for Von Hippel-Lindau syndrome. Last evaluated: 2024-08-06. Review status: criteria provided, single submitter. Criteria: ACMG Guidelines, 2015. Collection method: clinical testing. Allele origin: germline. Inheritance: Autosomal dominant inheritance. Observed: 1 variant allele, 1 heterozygote.
Comment: This study involves interpretation of variants in research participants for the purpose of population health screening. Participant phenotype was not available at the time of variant classification. Additional details can be found in publication PMID: 35346344, PMCID: PMC8962531

Ambry Genetics
Classification: Likely benign for Hereditary cancer-predisposing syndrome. Last evaluated: 2023-09-12. Review status: criteria provided, single submitter. Criteria: Ambry Variant Classification Scheme 2023. Collection method: clinical testing. Allele origin: germline.

GeneDx
Classification: Uncertain significance. Last evaluated: 2023-04-10. Review status: criteria provided, single submitter. Criteria: GeneDx Variant Classification Process June 2021. Collection method: clinical testing. Allele origin: germline. Affected: yes.
Comment: Not observed at significant frequency in large population cohorts (gnomAD); In silico analysis supports that this missense variant does not alter protein structure/function; Has not been previously published as pathogenic or benign to our knowledge; This variant is associated with the following publications: (PMID: 25885250)

Sema4
Classification: Uncertain significance for Hereditary cancer-predisposing syndrome. Last evaluated: 2021-04-23. Review status: criteria provided, single submitter. Criteria: Sema4 Curation Guidelines. Collection method: curation. Allele origin: germline.
Comment: To the best of our knowledge, the VHL c.385C>G (p.L129V) variant has not been reported in individuals with VHL-related disease. It was observed in 2/18394 chromosomes of the East Asian subpopulation in the large and broad cohorts of the Genome Aggregation Database. The variant has been reported in ClinVar (Variation ID 486710). In silico tools suggest the impact of the variant on protein function is inconclusive, though these predictions have not been confirmed by functional studies. The evidence is insufficient to meet ACMG/AMP criteria for classifying the variant as benign or pathogenic. Thus, the clinical significance of this variant is currently uncertain.

NM_000551.4(VHL):c.385C>G (p.Leu129Val)

Genes: VHL (von Hippel-Lindau tumor suppressor; plus strand), LOC107303340 (3p25 von Hippel-Lindau tumor suppressor, E3 ubiquitin protein ligase Alu-mediated recombination region; plus strand). Cytogenetic location: 3p25.3.
Variant type: single nucleotide variant.
Coding change: c.385C>G on transcript NM_000551.4 (MANE Select); coding-DNA position 385, C replaced by G.
Protein change: p.Leu129Val; replaces leucine 129 with valine.
Molecular consequence: missense variant. On other transcripts: intron variant (2).
Genome position (GRCh38, 1-based): chr3:10,146,558, C>G. VCF-style: chr3-10146558-C-G. GRCh37 (hg19) VCF-style: chr3-10188242-C-G.
Other names: c.*18-3229C>G (NM_001354723.2); c.341-3229C>G (NM_198156.3); short protein forms L129V.
Identifiers: ClinVar variation 486710 (VCV000486710.19), dbSNP rs369018004, ClinGen allele CA040734.